The following is an entry in ClinVar:

NM_032578.4(MYPN):c.1687C>G (p.Pro563Ala)

Gene: MYPN (myopalladin; plus strand). Cytogenetic location: 10q21.3.
Variant type: single nucleotide variant.
Coding change: c.1687C>G on transcript NM_032578.4 (MANE Select); coding-DNA position 1687, C replaced by G.
Protein change: p.Pro563Ala; replaces proline 563 with alanine.
Molecular consequence: missense variant. On other transcripts: non-coding transcript variant (2).
Genome position (GRCh38, 1-based): chr10:68,166,380, C>G. VCF-style: chr10-68166380-C-G. GRCh37 (hg19) VCF-style: chr10-69926137-C-G.
Other names: c.1687C>G, p.Pro563Ala (NM_001256267.2); c.805C>G, p.Pro269Ala (NM_001256268.2); short protein forms P269A, P563A.
Identifiers: ClinVar variation 4995228 (VCV004995228.1).

ClinVar aggregate classification (germline): Uncertain significance (1 of 4 stars; one submission).

Conditions:
MYPN-related disorder. Also called: MYPN-related condition.

gnomAD v4.1: 2 of 1,614,162 alleles (0.00012%); highest among the groups gnomAD compares: South Asian, 0.0022%; 1 homozygote.

Submission:

PreventionGenetics, part of Exact Sciences
Classification: Uncertain significance for MYPN-related condition. Last evaluated: 2026-01-22. Review status: criteria provided, single submitter. Criteria: ACMG Guidelines, 2015. Collection method: clinical testing. Allele origin: germline.
Comment: The MYPN c.1687C>G variant is predicted to result in the amino acid substitution p.Pro563Ala. To our knowledge, this variant has not been reported in the literature or in a large population database (gnomAD), indicating this variant is rare. At this time, the clinical significance of this variant is uncertain due to the absence of conclusive functional and genetic evidence.